The following is an entry in ClinVar:

NM_032638.5(GATA2):c.379C>T (p.His127Tyr)

Gene: GATA2 (GATA binding protein 2; minus strand). Cytogenetic location: 3q21.3.
Variant type: single nucleotide variant.
Coding change: c.379C>T on transcript NM_032638.5 (MANE Select); coding-DNA position 379, C replaced by T.
Protein change: p.His127Tyr; replaces histidine 127 with tyrosine.
Molecular consequence: missense variant.
Genome position (GRCh38, 1-based): chr3:128,486,219, G>A on the plus strand (C>T on the coding strand, the complement: GATA2 is on the minus strand). VCF-style: chr3-128486219-G-A. GRCh37 (hg19) VCF-style: chr3-128205062-G-A.
Other names: c.379C>T, p.His127Tyr (NM_001145661.2, NM_001145662.1); short protein forms H127Y.
Identifiers: ClinVar variation 1416546 (VCV001416546.8), dbSNP rs1163426216, ClinGen allele CA354407024.

ClinVar aggregate classification (germline): Uncertain significance (1 of 4 stars; one submission).

Conditions:
Monocytopenia with susceptibility to infections. Also called: GATA2 DEFICIENCY; MONOCYTOPENIA AND MYCOBACTERIAL INFECTION SYNDROME; MONOCYTOPENIA WITH SUSCEPTIBILITY TO MYCOBACTERIAL, FUNGAL, AND PAPILLOMAVIRUS INFECTIONS AND MYELODYSPLASIA; COMBINED IMMUNODEFICIENCY WITH SUSCEPTIBILITY TO MYCOBACTERIAL, VIRAL, AND FUNGAL INFECTIONS; Dendritic cell, monocyte, B lymphocyte, and natural killer lymphocyte deficiency; IMMUNODEFICIENCY 21. Identifiers: Orphanet 228423, MedGen C3280030, MONDO:0013607, OMIM 614172.
Deafness-lymphedema-leukemia syndrome. Also called: Lymphedema, primary, with myelodysplasia; Emberger syndrome. Identifiers: Orphanet 3226, MedGen C3279664, MONDO:0013540, OMIM 614038.

Allele frequency attached by ClinVar (database versions not stated): gnomAD exomes below 0.00001 and 0.00001; TOPMed 0.00001.

Submission:

Labcorp Genetics (formerly Invitae), Labcorp
Classification: Uncertain significance for Monocytopenia with susceptibility to infections; Deafness-lymphedema-leukemia syndrome. Last evaluated: 2022-11-11. Review status: criteria provided, single submitter. Criteria: Invitae Variant Classification Sherloc (09022015). Collection method: clinical testing. Allele origin: germline.
Comment: This sequence change replaces histidine, which is basic and polar, with tyrosine, which is neutral and polar, at codon 127 of the GATA2 protein (p.His127Tyr). This variant is present in population databases (no rsID available, gnomAD 0.01%). This variant has not been reported in the literature in individuals affected with GATA2-related conditions. ClinVar contains an entry for this variant (Variation ID: 1416546). Advanced modeling of protein sequence and biophysical properties (such as structural, functional, and spatial information, amino acid conservation, physicochemical variation, residue mobility, and thermodynamic stability) has been performed at Invitae for this missense variant, however the output from this modeling did not meet the statistical confidence thresholds required to predict the impact of this variant on GATA2 protein function. In summary, the available evidence is currently insufficient to determine the role of this variant in disease. Therefore, it has been classified as a Variant of Uncertain Significance.